The following is an entry in ClinVar:

NM_005247.4(FGF3):c.534C>G (p.Phe178Leu)

Gene: FGF3 (fibroblast growth factor 3; minus strand). Cytogenetic location: 11q13.3.
Variant type: single nucleotide variant.
Coding change: c.534C>G on transcript NM_005247.4 (MANE Select); coding-DNA position 534, C replaced by G.
Protein change: p.Phe178Leu; replaces phenylalanine 178 with leucine.
Molecular consequence: missense variant.
Genome position (GRCh38, 1-based): chr11:69,810,491, G>C on the plus strand (C>G on the coding strand, the complement: FGF3 is on the minus strand). VCF-style: chr11-69810491-G-C. GRCh37 (hg19) VCF-style: chr11-69625259-G-C.
Other names: short protein forms F178L.
Identifiers: ClinVar variation 3572856 (VCV003572856.2).

ClinVar aggregate classification (germline): Conflicting classifications of pathogenicity. Review status: criteria provided, conflicting classifications (1 of 4 stars). 2 submissions from 2 submitters: Likely pathogenic (1); Uncertain significance (1). Last evaluated 2022-06-08.

Conditions:
Deafness with labyrinthine aplasia, microtia, and microdontia. Also called: DEAFNESS WITH LAMM; DEAFNESS, CONGENITAL, WITH LABYRINTHINE APLASIA, MICROTIA, AND MICRODONTIA; Congenital Deafness with Inner Ear Agenesis, Microtia, and Microdontia. Identifiers: Orphanet 90024, MedGen C1853144, MONDO:0012541, OMIM 610706.
Hearing impairment. Also called: Impaired Hearing. Identifiers: MedGen C1384666, MONDO:0005365, HP:0000365.

gnomAD v4.1: 2 of 1,609,286 alleles (0.00012%); highest among the groups gnomAD compares: South Asian, 0.0022%; no homozygotes.

Submissions (2):

Clinical Genomics Laboratory, Stanford Medicine
Classification: Uncertain significance for Deafness with labyrinthine aplasia, microtia, and microdontia. Last evaluated: 2022-06-08. Review status: criteria provided, single submitter. Criteria: ACMG Guidelines, 2015. Collection method: clinical testing. Allele origin: maternal. Observed: 2 variant alleles, 2 heterozygotes.
Comment: The p.Phe178Leu variant in the FGF3 gene has been previously reported in 4 unrelated individuals with features consistent with congenital deafness with labyrinthine aplasia, microtia, and microdontia (LAMM syndrome). Three individuals were homozygous and one was compound heterozygous with p.Arg95Gln (Al Yassin et al., 2019; Lallar et al., 2021; Panigrahi, Kumari & Anil Kumar 2021; Singh et al., 2014). This variant was determined to be in trans with a suspected disease-causing variant (p.Arg95Gln), consistent with autosomal recessive inheritance. The presence of this variant with a likely disease-causing variant on the opposite allele increases suspicion for its pathogenicity (Al Yassin et al., 2019). This variant has also been identified in 1/29,666 South Asian chromosomes by the Genome Aggregation Database. Computational tools predict that this variant is deleterious; however, the accuracy of in silico algorithms is limited. These data were assessed using the ACMG/AMP variant interpretation guidelines. In summary, the significance of the p.Phe178Leu variant is uncertain; however, there is suspicion that this variant could be associated with congenital deafness with labyrinthine aplasia, microtia, and microdontia (LAMM syndrome) due to the identification of this variant in multiple probands with features consistent with LAMM syndrome. Additional information is needed to resolve the significance of this variant. [ACMG evidence codes used: PM2; PM3; PP3]

Cambridge Genomics Laboratory, East Genomic Laboratory Hub, NHS Genomic Medicine Service
Classification: Likely pathogenic for Hearing impairment. Last evaluated: 2019-04-17. Review status: criteria provided, single submitter. Criteria: ACGS Best Practice Guidelines for Variant Classification in Rare Disease 2020. Collection method: clinical testing. Allele origin: germline. Affected: yes. Observed: 1 variant allele.

Literature cited by the submitters: PubMed 31336982 (cited by Clinical Genomics Laboratory, Stanford Medicine); PubMed 33552643 (cited by Clinical Genomics Laboratory, Stanford Medicine); PubMed 34238775 (cited by Clinical Genomics Laboratory, Stanford Medicine); PubMed 25432227 (cited by Clinical Genomics Laboratory, Stanford Medicine).